The following is an entry in ClinVar:

NM_014324.6(AMACR):c.994T>G (p.Leu332Val)

Genes: AMACR (alpha-methylacyl-CoA racemase; minus strand), C1QTNF3-AMACR (C1QTNF3-AMACR readthrough (NMD candidate); minus strand). Cytogenetic location: 5p13.2.
Variant type: single nucleotide variant.
Coding change: c.994T>G on transcript NM_014324.6 (MANE Select); coding-DNA position 994, T replaced by G.
Protein change: p.Leu332Val; replaces leucine 332 with valine.
Molecular consequence: missense variant. On other transcripts: non-coding transcript variant (1), 3 prime UTR variant (1).
Genome position (GRCh38, 1-based): chr5:33,989,248, A>C on the plus strand (T>G on the coding strand, the complement: AMACR is on the minus strand). VCF-style: chr5-33989248-A-C. GRCh37 (hg19) VCF-style: chr5-33989353-A-C.
Other names: c.994T>G, p.Leu332Val (NM_001167595.2); c.*236T>G (NM_203382.3); short protein forms L332V.
Identifiers: ClinVar variation 1408258 (VCV001408258.5), dbSNP rs1265714665, ClinGen allele CA359398866.

ClinVar aggregate classification (germline): Uncertain significance (1 of 4 stars; one submission).

Conditions:
Alpha-methylacyl-CoA racemase deficiency (AMACRD). Also called: AMACR deficiency. Identifiers: Orphanet 79095, MedGen C3280428, MONDO:0013681, OMIM 614307. Disease mechanism: loss of function.

Allele frequency attached by ClinVar (database versions not stated): gnomAD 0.00001; gnomAD exomes 0.00001; TOPMed 0.00001.
gnomAD v4.1: 10 of 1,613,982 alleles (0.00062%); highest among the groups gnomAD compares: Non-Finnish European, 0.00085%; no homozygotes.

Submission:

Labcorp Genetics (formerly Invitae), Labcorp
Classification: Uncertain significance for Alpha-methylacyl-CoA racemase deficiency. Last evaluated: 2022-05-03. Review status: criteria provided, single submitter. Criteria: Invitae Variant Classification Sherloc (09022015). Collection method: clinical testing. Allele origin: germline.
Comment: This sequence change replaces leucine, which is neutral and non-polar, with valine, which is neutral and non-polar, at codon 332 of the AMACR protein (p.Leu332Val). This variant is not present in population databases (gnomAD no frequency). This variant has not been reported in the literature in individuals affected with AMACR-related conditions. Algorithms developed to predict the effect of missense changes on protein structure and function (SIFT, PolyPhen-2, Align-GVGD) all suggest that this variant is likely to be tolerated. Algorithms developed to predict the effect of sequence changes on RNA splicing suggest that this variant may create or strengthen a splice site. In summary, the available evidence is currently insufficient to determine the role of this variant in disease. Therefore, it has been classified as a Variant of Uncertain Significance.